The following is an entry in ClinVar:

NM_001448.3(GPC4):c.1051C>T (p.Arg351Ter)

Gene: GPC4 (glypican 4; minus strand). Cytogenetic location: Xq26.2.
Variant type: single nucleotide variant.
Coding change: c.1051C>T on transcript NM_001448.3 (MANE Select); coding-DNA position 1051, C replaced by T.
Protein change: p.Arg351Ter; replaces arginine 351 with a stop codon.
Molecular consequence: nonsense.
Genome position (GRCh38, 1-based): chrX:133,305,876, G>A on the plus strand (C>T on the coding strand, the complement: GPC4 is on the minus strand). VCF-style: chrX-133305876-G-A. GRCh37 (hg19) VCF-style: chrX-132439904-G-A.
Other names: c.1051C>T (NM_001448.2); short protein forms R351*.
Identifiers: ClinVar variation 2628071 (VCV002628071.5), dbSNP rs2520399910, ClinGen allele CA414692033.

ClinVar aggregate classification (germline): Conflicting classifications of pathogenicity. Review status: criteria provided, conflicting classifications (1 of 4 stars). 3 submissions from 3 submitters: Likely pathogenic (1); Uncertain significance (1). 1 of the submissions does not count toward it. Last evaluated 2024-05-13.

Conditions:
Keipert syndrome (KPTS). Identifiers: Orphanet 2662, MedGen C1850627, MONDO:0009720, OMIM 301026.

Submissions (3):

GeneDx
Classification: Likely pathogenic. Last evaluated: 2024-05-13. Review status: criteria provided, single submitter. Criteria: GeneDx Variant Classification Process June 2021. Collection method: clinical testing. Allele origin: germline. Affected: yes.
Comment: Has not been previously published as pathogenic or benign to our knowledge; Not observed at significant frequency in large population cohorts (gnomAD); Nonsense variant predicted to result in protein truncation or nonsense mediated decay in a gene for which loss of function is a known mechanism of disease; This variant is associated with the following publications: (PMID: 27535533)

Juno Genomics, Hangzhou Juno Genomics, Inc
Classification: Uncertain significance for Keipert syndrome. Review status: criteria provided, single submitter. Criteria: ACMG Guidelines, 2015. Collection method: clinical testing. Allele origin: germline.
Comment: Absent from controls (or at extremely low frequency if recessive) in Genome Aggregation Database.;Null variant in a gene where loss of function (LOF) is a known mechanism of disease.

Division of Medical Genetics, Kanagawa Children s Medical Center
Classification: Pathogenic for Keipert syndrome. Last evaluated: 2023-11-09. Review status: no assertion criteria provided. Collection method: clinical testing. Allele origin: maternal. Inheritance: X-linked inheritance. Affected: yes. Observed: 1 hemizygote. Not counted in ClinVar's aggregate classification.